The following is an entry in ClinVar:

ClinVar aggregate classification (germline): Likely pathogenic (1 of 4 stars; one submission).

Conditions:
Dilated cardiomyopathy 1G (CMD1G). Identifiers: Orphanet 154, MedGen C1858763, MONDO:0011400, OMIM 604145.
Autosomal recessive limb-girdle muscular dystrophy type 2J (LGMDR10). Also called: Limb-girdle muscular dystrophy, type 2J; MUSCULAR DYSTROPHY, LIMB-GIRDLE, AUTOSOMAL RECESSIVE 10. Identifiers: Orphanet 140922, MedGen C1837342, MONDO:0012127, OMIM 608807.

Submission:

Labcorp Genetics (formerly Invitae), Labcorp
Classification: Likely pathogenic for Dilated cardiomyopathy 1G; Autosomal recessive limb-girdle muscular dystrophy type 2J. Last evaluated: 2025-02-12. Review status: criteria provided, single submitter. Criteria: Invitae Variant Classification Sherloc (09022015). Collection method: clinical testing. Allele origin: germline.
Comment: This sequence change creates a premature translational stop signal (p.Tyr3399*) in the TTN gene. While this is not anticipated to result in nonsense mediated decay, it is expected to create a truncated TTN protein. This variant is not present in population databases (gnomAD no frequency). This variant has not been reported in the literature in individuals affected with TTN-related conditions. This variant is located in the I band of TTN (PMID: 25589632). Truncating variants in this region have been reported in individuals affected with autosomal recessive centronuclear myopathy (PMID: 23975875, internal data). Truncating variants in this region have also been identified in individuals affected with autosomal dominant dilated cardiomyopathy and/or cardio-related conditions (PMID: 27869827, 32964742, internal data). In summary, the currently available evidence indicates that the variant is pathogenic, but additional data are needed to prove that conclusively. Therefore, this variant has been classified as Likely Pathogenic.

Literature cited by the submitters: PubMed 25589632; PubMed 23975875; PubMed 27869827; PubMed 32964742.

NM_001267550.2(TTN):c.10197T>G (p.Tyr3399Ter)

Gene: TTN (titin; minus strand). Cytogenetic location: 2q31.2.
Variant type: single nucleotide variant.
Coding change: c.10197T>G on transcript NM_001267550.2 (MANE Select); coding-DNA position 10197, T replaced by G.
Protein change: p.Tyr3399Ter; replaces tyrosine 3399 with a stop codon.
Molecular consequence: nonsense.
Genome position (GRCh38, 1-based): chr2:178,759,090, A>C on the plus strand (T>G on the coding strand, the complement: TTN is on the minus strand). VCF-style: chr2-178759090-A-C. GRCh37 (hg19) VCF-style: chr2-179623817-A-C.
Other names: c.10197T>G, p.Tyr3399Ter (NM_001256850.1, NM_133378.4, NM_133379.5); c.10059T>G, p.Tyr3353Ter (NM_003319.4, NM_133432.3, NM_133437.4); short protein forms Y3353*, Y3399*.
Identifiers: ClinVar variation 4784154 (VCV004784154.1).